The following is an entry in ClinVar:

ClinVar aggregate classification (germline): Benign/Likely benign. Review status: criteria provided, multiple submitters, no conflicts (2 of 4 stars). 6 submissions from 6 submitters: Benign (4); Likely benign (2). Last evaluated 2026-01-16.

Allele frequency attached by ClinVar (database versions not stated): gnomAD exomes 0.00032 and 0.00091; 1000 Genomes Project 30x 0.00109; ExAC 0.00110; 1000 Genomes Project 0.00140; gnomAD 0.00351 and 0.00392; TOPMed 0.00398; ESP Exome Variant Server 0.00492.
gnomAD v4.1: 1,031 of 1,613,786 alleles (0.064%); highest among the groups gnomAD compares: African/African-American, 1.1%; 7 homozygotes.

Submissions (6):

Labcorp Genetics (formerly Invitae), Labcorp
Classification: Benign. Last evaluated: 2026-01-16. Review status: criteria provided, single submitter. Criteria: Invitae Variant Classification Sherloc (09022015). Collection method: clinical testing. Allele origin: germline.

CeGaT Center for Human Genetics Tuebingen
Classification: Likely benign. Last evaluated: 2025-09-01. Review status: criteria provided, single submitter. Criteria: CeGaT Center For Human Genetics Tuebingen Variant Classification Criteria Version 2. Collection method: clinical testing. Allele origin: germline. Affected: yes. Observed: 3 variant alleles.
Comment: MYH9: BS1

Blueprint Genetics
Classification: Likely benign. Last evaluated: 2024-11-20. Review status: criteria provided, single submitter. Criteria: ACMG Guidelines, 2015. Collection method: clinical testing. Allele origin: germline.

ARUP Laboratories, Molecular Genetics and Genomics, ARUP Laboratories
Classification: Benign. Last evaluated: 2023-12-11. Review status: criteria provided, single submitter. Criteria: ARUP Molecular Germline Variant Investigation Process 2024. Collection method: clinical testing. Allele origin: germline.

GeneDx
Classification: Benign. Last evaluated: 2019-10-14. Review status: criteria provided, single submitter. Criteria: GeneDx Variant Classification Process June 2021. Collection method: clinical testing. Allele origin: germline. Affected: yes.

Laboratory for Molecular Medicine, Mass General Brigham Personalized Medicine
Classification: Benign. Last evaluated: 2012-04-30. Review status: criteria provided, single submitter. Criteria: LMM Criteria. Collection method: clinical testing. Allele origin: germline. Observed: 3 variant alleles.
Comment: 1555-12C>T in Intron 13 of MYH9: This variant is not expected to have clinical s ignificance because it has been identified in 1.6% (58/3738) of African American chromosomes from a broad population by the NHLBI Exome Sequencing Project (dbSNP rs148641114).

NM_002473.6(MYH9):c.1555-12C>T

Gene: MYH9 (myosin heavy chain 9; minus strand). Cytogenetic location: 22q12.3.
Variant type: single nucleotide variant.
Coding change: c.1555-12C>T on transcript NM_002473.6 (MANE Select); 12 bases into the intron before coding-DNA position 1555, C replaced by T.
Molecular consequence: intron variant.
Genome position (GRCh38, 1-based): chr22:36,312,234, G>A on the plus strand (C>T on the coding strand, the complement: MYH9 is on the minus strand). VCF-style: chr22-36312234-G-A. GRCh37 (hg19) VCF-style: chr22-36708279-G-A.
Identifiers: ClinVar variation 178435 (VCV000178435.40), dbSNP rs148641114, ClinGen allele CA182328.
Genomic context (GRCh38, chr22:36,312,234, plus strand): 5'-GGAACCAGCACTCCTCGTCCAGCAGGGCCAGAATGCCCGGGGGGCCTGCCTGGAGGAAGC[G>A]CAGCATCAGCACAGGTGAGTGCACCCTGGGAGGGGCACCCCACCCTTCAAGAAGCCAAAG-3'